The following is an entry in ClinVar:

ClinVar aggregate classification (germline): Uncertain significance. Review status: criteria provided, multiple submitters, no conflicts (2 of 4 stars). 2 submissions from 2 submitters: Uncertain significance (2). Last evaluated 2024-12-04.

Submissions (2):

Quest Diagnostics Nichols Institute San Juan Capistrano
Classification: Uncertain significance. Last evaluated: 2024-12-04. Review status: criteria provided, single submitter. Criteria: Quest Diagnostics criteria. Collection method: clinical testing. Allele origin: unknown.
Comment: The GALNT12 c.319C>T (p.Leu107Phe) variant has not been reported in individuals with GALNT12-related conditions in the published literature. It also has not been reported in large, multi-ethnic general populations (Genome Aggregation Database). Analysis of this variant using bioinformatics tools for the prediction of the effect of amino acid changes on protein structure and function yielded predictions that this variant is damaging. Based on the available information, we are unable to determine the clinical significance of this variant.

Ambry Genetics
Classification: Uncertain significance. Last evaluated: 2023-09-20. Review status: criteria provided, single submitter. Criteria: Ambry Variant Classification Scheme 2023. Collection method: clinical testing. Allele origin: germline.
Comment: The p.L107F variant (also known as c.319C>T), located in coding exon 1 of the GALNT12 gene, results from a C to T substitution at nucleotide position 319. The leucine at codon 107 is replaced by phenylalanine, an amino acid with highly similar properties. This amino acid position is conserved. In addition, this alteration is predicted to be tolerated by in silico analysis. Since supporting evidence is limited at this time, the clinical significance of this alteration remains unclear.

NM_024642.5(GALNT12):c.319C>T (p.Leu107Phe)

Gene: GALNT12 (polypeptide N-acetylgalactosaminyltransferase 12; plus strand). Cytogenetic location: 9q22.33.
Variant type: single nucleotide variant.
Coding change: c.319C>T on transcript NM_024642.5 (MANE Select); coding-DNA position 319, C replaced by T.
Protein change: p.Leu107Phe; replaces leucine 107 with phenylalanine.
Molecular consequence: missense variant.
Genome position (GRCh38, 1-based): chr9:98,808,017, C>T. VCF-style: chr9-98808017-C-T. GRCh37 (hg19) VCF-style: chr9-101570299-C-T.
Other names: short protein forms L107F.
Identifiers: ClinVar variation 3227945 (VCV003227945.3), dbSNP rs1385360651, ClinGen allele CA374222920.